The following is an entry in ClinVar:

NM_000080.4(CHRNE):c.617C>T (p.Ala206Val)

Genes: C17orf107 (chromosome 17 open reading frame 107; plus strand), CHRNE (cholinergic receptor nicotinic epsilon subunit; minus strand). Cytogenetic location: 17p13.2.
Variant type: single nucleotide variant.
Coding change: c.617C>T on transcript NM_000080.4 (MANE Select); coding-DNA position 617, C replaced by T.
Protein change: p.Ala206Val; replaces alanine 206 with valine.
Molecular consequence: missense variant. On other transcripts: 3 prime UTR variant (1).
Genome position (GRCh38, 1-based): chr17:4,901,175, G>A on the plus strand (C>T on the coding strand, the complement: CHRNE is on the minus strand). VCF-style: chr17-4901175-G-A. GRCh37 (hg19) VCF-style: chr17-4804470-G-A.
Other names: c.*642G>A (NM_001145536.2); short protein forms A206V.
Identifiers: ClinVar variation 1314643 (VCV001314643.4), dbSNP rs2151097484, ClinGen allele CA397305283.
Genomic context (GRCh38, chr17:4,901,175, plus strand): 5'-CCTGGGCCGTCGGTGGCGCCACCGTGGTGGCGGCGGATCACCCCCGGGCAGAAGTCGATG[G>A]CCCACTCGCCGTTCTCTGCGGGACGGGGGCACGGTCAGCTGGCTGTCAGAGCGGGGCGCC-3'
Protein context (NP_000071.1, residues 196-216): TEAYTENGEW[Ala206Val]IDFCPGVIRR

ClinVar aggregate classification (germline): Uncertain significance. Review status: criteria provided, multiple submitters, no conflicts (2 of 4 stars). 2 submissions from 2 submitters: Uncertain significance (2). Last evaluated 2021-04-08.

Submissions (2):

GeneDx
Classification: Uncertain significance. Last evaluated: 2021-04-08. Review status: criteria provided, single submitter. Criteria: GeneDx Variant Classification Process June 2021. Collection method: clinical testing. Allele origin: germline. Affected: yes.
Comment: Not observed in large population cohorts (Lek et al., 2016); In silico analysis supports that this missense variant does not alter protein structure/function; Has not been previously published as pathogenic or benign to our knowledge

Revvity Omics, Revvity
Classification: Uncertain significance. Last evaluated: 2019-06-06. Review status: criteria provided, single submitter. Criteria: ACMG Guidelines, 2015. Collection method: clinical testing. Allele origin: germline.